The following is an entry in ClinVar:

NM_000626.4(CD79B):c.106C>T (p.Arg36Trp)

Genes: CD79B (CD79b molecule; minus strand), GH-LCR (growth hormone locus control region; plus strand). Cytogenetic location: 17q23.3.
Variant type: single nucleotide variant.
Coding change: c.106C>T on transcript NM_000626.4 (MANE Select); coding-DNA position 106, C replaced by T.
Protein change: p.Arg36Trp; replaces arginine 36 with tryptophan.
Molecular consequence: missense variant.
Genome position (GRCh38, 1-based): chr17:63,931,347, G>A on the plus strand (C>T on the coding strand, the complement: CD79B is on the minus strand). VCF-style: chr17-63931347-G-A. GRCh37 (hg19) VCF-style: chr17-62008707-G-A.
Other names: c.109C>T, p.Arg37Trp (NM_001039933.3, NM_001329050.2); c.106C>T, p.Arg36Trp (NM_021602.4); c.106C>T (NM_000626.2); short protein forms R36W, R37W.
Identifiers: ClinVar variation 1051842 (VCV001051842.10), dbSNP rs201705534, ClinGen allele CA8708647.

ClinVar aggregate classification (germline): Uncertain significance. Review status: criteria provided, multiple submitters, no conflicts (2 of 4 stars). 2 submissions from 2 submitters: Uncertain significance (2). Last evaluated 2025-07-16.

Conditions:
Agammaglobulinemia 6, autosomal recessive (AGM6). Also called: AGAMMAGLOBULINEMIA, AUTOSOMAL RECESSIVE, DUE TO CD79B DEFECT; AGAMMAGLOBULINEMIA 6. Identifiers: MedGen C3150207, MONDO:0012987, OMIM 612692.

Allele frequency attached by ClinVar (database versions not stated): ExAC 0.00001; gnomAD 0.00001; 1000 Genomes Project 0.00020; TOPMed 0.00001; gnomAD exomes 0.00002; 1000 Genomes Project 30x 0.00016.
gnomAD v4.1: 15 of 1,614,044 alleles (0.00093%); highest among the groups gnomAD compares: East Asian, 0.0089%; no homozygotes.

Submissions (2):

Ambry Genetics
Classification: Uncertain significance. Last evaluated: 2025-07-16. Review status: criteria provided, single submitter. Criteria: Ambry Variant Classification Scheme 2023. Collection method: clinical testing. Allele origin: germline.

Labcorp Genetics (formerly Invitae), Labcorp
Classification: Uncertain significance for Agammaglobulinemia 6, autosomal recessive. Last evaluated: 2022-07-26. Review status: criteria provided, single submitter. Criteria: Invitae Variant Classification Sherloc (09022015). Collection method: clinical testing. Allele origin: germline.
Comment: In summary, the available evidence is currently insufficient to determine the role of this variant in disease. Therefore, it has been classified as a Variant of Uncertain Significance. Algorithms developed to predict the effect of missense changes on protein structure and function are either unavailable or do not agree on the potential impact of this missense change (SIFT: "Not Available"; PolyPhen-2: "Benign"; Align-GVGD: "Not Available"). ClinVar contains an entry for this variant (Variation ID: 1051842). This variant has not been reported in the literature in individuals affected with CD79B-related conditions. This variant is present in population databases (rs201705534, gnomAD 0.003%). This sequence change replaces arginine, which is basic and polar, with tryptophan, which is neutral and slightly polar, at codon 36 of the CD79B protein (p.Arg36Trp).